The following is an entry in ClinVar:

ClinVar aggregate classification (germline): Uncertain significance. Review status: criteria provided, multiple submitters, no conflicts (2 of 4 stars). 2 submissions from 2 submitters: Uncertain significance (2). Last evaluated 2025-04-03.

Conditions:
Inborn genetic diseases. Identifiers: MedGen C0950123, MeSH D030342.

gnomAD v4.1: 2 of 1,612,632 alleles (0.00012%); highest among the groups gnomAD compares: African/African-American, 0.0013%; no homozygotes.

Submissions (2):

Ambry Genetics
Classification: Uncertain significance for Inborn genetic diseases. Last evaluated: 2025-04-03. Review status: criteria provided, single submitter. Criteria: Ambry Variant Classification Scheme 2023. Collection method: clinical testing. Allele origin: germline.
Comment: The p.L528H variant (also known as c.1583T>A), located in coding exon 10 of the ERCC6L2 gene, results from a T to A substitution at nucleotide position 1583. The leucine at codon 528 is replaced by histidine, an amino acid with similar properties. This amino acid position is conserved. In addition, this alteration is predicted to be deleterious by in silico analysis. Based on the available evidence, the clinical significance of this variant remains unclear.

Labcorp Genetics (formerly Invitae), Labcorp
Classification: Uncertain significance. Last evaluated: 2024-06-12. Review status: criteria provided, single submitter. Criteria: Invitae Variant Classification Sherloc (09022015). Collection method: clinical testing. Allele origin: germline.
Comment: This sequence change replaces leucine, which is neutral and non-polar, with histidine, which is basic and polar, at codon 539 of the ERCC6L2 protein (p.Leu539His). This variant is present in population databases (rs574312958, gnomAD 0.007%). This missense change has been observed in individual(s) with clinical features of ERCC6L2-related conditions (Invitae). In at least one individual the data is consistent with being in trans (on the opposite chromosome) from a pathogenic variant. Experimental studies and prediction algorithms are not available or were not evaluated, and the functional significance of this variant is currently unknown. In summary, the available evidence is currently insufficient to determine the role of this variant in disease. Therefore, it has been classified as a Variant of Uncertain Significance.

NM_020207.7(ERCC6L2):c.1583T>A (p.Leu528His)

Gene: ERCC6L2 (ERCC excision repair 6 like 2; plus strand). Cytogenetic location: 9q22.32.
Variant type: single nucleotide variant.
Coding change: c.1583T>A on transcript NM_020207.7 (MANE Select); coding-DNA position 1583, T replaced by A.
Protein change: p.Leu528His; replaces leucine 528 with histidine.
Molecular consequence: missense variant. On other transcripts: non-coding transcript variant (1).
Genome position (GRCh38, 1-based): chr9:95,928,128, T>A. VCF-style: chr9-95928128-T-A. GRCh37 (hg19) VCF-style: chr9-98690410-T-A.
Other names: c.1583T>A, p.Leu528His (NM_001010895.4, NM_001375291.1, NM_001375292.1 and 2 more transcripts); short protein forms L528H.
Identifiers: ClinVar variation 3684373 (VCV003684373.3).